The following is an entry in ClinVar:

NM_022336.4(EDAR):c.1280T>G (p.Leu427Trp)

Genes: EDAR (ectodysplasin A receptor; minus strand), RANBP2 (RAN binding protein 2; plus strand). Cytogenetic location: 2q13.
Variant type: single nucleotide variant.
Coding change: c.1280T>G on transcript NM_022336.4 (MANE Select); coding-DNA position 1280, T replaced by G.
Protein change: p.Leu427Trp; replaces leucine 427 with tryptophan.
Molecular consequence: missense variant.
Genome position (GRCh38, 1-based): chr2:108,896,974, A>C on the plus strand (T>G on the coding strand, the complement: EDAR is on the minus strand). VCF-style: chr2-108896974-A-C. GRCh37 (hg19) VCF-style: chr2-109513430-A-C.
Other names: short protein forms L427W.
Identifiers: ClinVar variation 1721078 (VCV001721078.5), dbSNP rs2470612710, ClinGen allele CA348047662.
Genomic context (GRCh38, chr2:108,896,974, plus strand): 5'-GCAGCATGTGGCTGGGAGGCAGGTGGCACAACCCCCGCCCACTCCAGTATGTCTGCACAC[A>C]AGGACTCCACAGCATCCAGCCGCTCAATCTGCACCAGTTTTGTGAGTAGCTCAGGGATGC-3'
Protein context (NP_071731.1, residues 417-437): QIERLDAVES[Leu427Trp]CADILEWAGV

ClinVar aggregate classification (germline): Uncertain significance (1 of 4 stars; one submission).

Conditions:
Ectodermal dysplasia 10A, hypohidrotic/hair/nail type, autosomal dominant (ECTD10A). Also called: Ectodermal Dysplasia 3, Anhidrotic. Identifiers: Orphanet 1810, Orphanet 238468, MedGen C3888065, MONDO:0007509, OMIM 129490.
Autosomal recessive hypohidrotic ectodermal dysplasia syndrome. Also called: Autosomal recessive hypohidrotic ectodermal dysplasia. Identifiers: Orphanet 248, MedGen C0406702, MONDO:0016619.

Submission:

Labcorp Genetics (formerly Invitae), Labcorp
Classification: Uncertain significance for Ectodermal dysplasia 10A, hypohidrotic/hair/nail type, autosomal dominant; Autosomal recessive hypohidrotic ectodermal dysplasia syndrome. Last evaluated: 2022-10-06. Review status: criteria provided, single submitter. Criteria: Invitae Variant Classification Sherloc (09022015). Collection method: clinical testing. Allele origin: germline.
Comment: This variant has not been reported in the literature in individuals affected with EDAR-related conditions. This sequence change replaces leucine, which is neutral and non-polar, with tryptophan, which is neutral and slightly polar, at codon 427 of the EDAR protein (p.Leu427Trp). This variant is not present in population databases (gnomAD no frequency). Advanced modeling of protein sequence and biophysical properties (such as structural, functional, and spatial information, amino acid conservation, physicochemical variation, residue mobility, and thermodynamic stability) performed at Invitae indicates that this missense variant is expected to disrupt EDAR protein function. In summary, the available evidence is currently insufficient to determine the role of this variant in disease. Therefore, it has been classified as a Variant of Uncertain Significance.